The following is an entry in ClinVar:

NM_006214.4(PHYH):c.686_687del (p.Val229fs)

Gene: PHYH (phytanoyl-CoA 2-hydroxylase; minus strand). Cytogenetic location: 10p13.
Variant type: Deletion.
Coding change: c.686_687del on transcript NM_006214.4 (MANE Select); coding-DNA positions 686 to 687, 2 bases deleted (TT; older notation c.686_687delTT).
Protein change: p.Val229fs; shifts the reading frame from valine 229.
Molecular consequence: frameshift variant.
Genome position (GRCh38, 1-based): chr10:13,283,831-13,283,832, AA deleted on the plus strand (TT on the coding strand, the reverse complement: PHYH is on the minus strand). VCF-style (leftmost placement, unchanged base first): chr10-13283830-TAA-T. GRCh37 (hg19) VCF-style: chr10-13325830-TAA-T.
Other names: c.386_387del, p.Val129fs (NM_001037537.2, NM_001323080.2); c.692_693del, p.Val231fs (NM_001323082.2); c.422_423del, p.Val141fs (NM_001323083.2); c.392_393del, p.Val131fs (NM_001323084.2); short protein forms V129fs, V131fs, V141fs, V229fs, V231fs.
Identifiers: ClinVar variation 1726812 (VCV001726812.2), dbSNP rs2538635253, ClinGen allele CA2580081343.

ClinVar aggregate classification (germline): Likely pathogenic (1 of 4 stars; one submission).

Conditions:
Refsum disease, classic. Also called: PHYH-Related Refsum Disease; HEREDOPATHIA ATACTICA POLYNEURITIFORMIS; HMSN IV; PHYTANIC ACID OXIDASE DEFICIENCY. Identifiers: Orphanet 773, MedGen C5780941, MONDO:1060256, OMIM 266500. Disease mechanism: loss of function.

Submission:

Myriad Genetics, Inc.
Classification: Likely pathogenic for Refsum disease, classic. Last evaluated: 2022-01-02. Review status: criteria provided, single submitter. Criteria: Myriad Women's Health Autosomal Recessive and X-Linked Classification Criteria (2021). Collection method: clinical testing. Allele origin: unknown.
Comment: NM_006214.3(PHYH):c.686_687delTT(V229Efs*41) is expected to be pathogenic in the context of PHYH-related refsum disease. This variant is predicted to lead to an abnormal or absent protein product due to the creation of a premature termination codon in PHYH, a gene where loss-of-function variants are known to be pathogenic. Please note: this variant was assessed in the context of healthy population screening.